The following is an entry in ClinVar:

NM_000226.4(KRT9):c.479T>C (p.Leu160Pro)

Gene: KRT9 (keratin 9; minus strand). Cytogenetic location: 17q21.2.
Variant type: single nucleotide variant.
Coding change: c.479T>C on transcript NM_000226.4 (MANE Select); coding-DNA position 479, T replaced by C.
Protein change: p.Leu160Pro; replaces leucine 160 with proline.
Molecular consequence: missense variant.
Genome position (GRCh38, 1-based): chr17:41,571,514, A>G on the plus strand (T>C on the coding strand, the complement: KRT9 is on the minus strand). VCF-style: chr17-41571514-A-G. GRCh37 (hg19) VCF-style: chr17-39727766-A-G.
Other names: short protein forms L160P.
Identifiers: ClinVar variation 1489909 (VCV001489909.7), dbSNP rs2144572293, ClinGen allele CA399500953.

ClinVar aggregate classification (germline): Likely pathogenic. Review status: criteria provided, multiple submitters, no conflicts (2 of 4 stars). 2 submissions from 2 submitters: Likely pathogenic (2). Last evaluated 2023-05-26.

Conditions:
KRT9-related disorder. Also called: KRT9-related condition.

Submissions (2):

Blueprint Genetics
Classification: Likely pathogenic for KRT9-related disorders. Last evaluated: 2023-05-26. Review status: criteria provided, single submitter. Criteria: ACMG Guidelines, 2015. Collection method: clinical testing. Allele origin: germline. Affected: yes. Observed: 1 variant allele.

Labcorp Genetics (formerly Invitae), Labcorp
Classification: Likely pathogenic. Last evaluated: 2021-09-10. Review status: criteria provided, single submitter. Criteria: Invitae Variant Classification Sherloc (09022015). Collection method: clinical testing. Allele origin: germline.
Comment: This sequence change replaces leucine with proline at codon 160 of the KRT9 protein (p.Leu160Pro). The leucine residue is highly conserved and there is a moderate physicochemical difference between leucine and proline. This variant is not present in population databases (ExAC no frequency). This variant has not been reported in the literature in individuals affected with KRT9-related conditions. Advanced modeling of protein sequence and biophysical properties (such as structural, functional, and spatial information, amino acid conservation, physicochemical variation, residue mobility, and thermodynamic stability) performed at Invitae indicates that this missense variant is expected to disrupt KRT9 protein function. This variant disrupts the p.Leu160 amino acid residue in KRT9. Other variant(s) that disrupt this residue have been determined to be pathogenic (PMID: 9204965, 12838553). This suggests that this residue is clinically significant, and that variants that disrupt this residue are likely to be disease-causing. In summary, the currently available evidence indicates that the variant is pathogenic, but additional data are needed to prove that conclusively. Therefore, this variant has been classified as Likely Pathogenic.

Literature cited by the submitters: PubMed 9204965 (cited by Labcorp Genetics (formerly Invitae), Labcorp); PubMed 12838553 (cited by Labcorp Genetics (formerly Invitae), Labcorp).